The following is an entry in ClinVar:

NM_001042492.3(NF1):c.5078A>G (p.His1693Arg)

Gene: NF1 (neurofibromin 1; plus strand). Cytogenetic location: 17q11.2.
Variant type: single nucleotide variant.
Coding change: c.5078A>G on transcript NM_001042492.3 (MANE Select); coding-DNA position 5078, A replaced by G.
Protein change: p.His1693Arg; replaces histidine 1693 with arginine.
Molecular consequence: missense variant.
Genome position (GRCh38, 1-based): chr17:31,326,062, A>G. VCF-style: chr17-31326062-A-G. GRCh37 (hg19) VCF-style: chr17-29653080-A-G.
Other names: c.5015A>G, p.His1672Arg (NM_000267.4); short protein forms H1672R, H1693R.
Identifiers: ClinVar variation 1343914 (VCV001343914.6), dbSNP rs2151538392, ClinGen allele CA399007476.

ClinVar aggregate classification (germline): Uncertain significance. Review status: criteria provided, multiple submitters, no conflicts (2 of 4 stars). 4 submissions from 4 submitters: Uncertain significance (4). Last evaluated 2025-03-31.

Conditions:
Hereditary cancer-predisposing syndrome. Also called: Hereditary Cancer Syndrome; Neoplastic Syndromes, Hereditary; Tumor predisposition; Hereditary neoplastic syndrome. Identifiers: Orphanet 140162, MedGen C0027672, MeSH D009386, MONDO:0015356.
Cardiovascular phenotype. Identifiers: MedGen CN230736.
Neurofibromatosis, type 1 (NF1). Also called: VON RECKLINGHAUSEN DISEASE; Peripheral type neurofibromatosis; Neurofibromatosis, type I; NEUROFIBROMATOSIS, TYPE I, SOMATIC. Identifiers: Orphanet 636, MedGen C0027831, MONDO:0018975, OMIM 162200. Disease mechanism: loss of function.
Neurofibromatosis, familial spinal (FSNF). Identifiers: Orphanet 636, MedGen C1834235, MONDO:0008078, OMIM 162210. Disease mechanism: loss of function.
Juvenile myelomonocytic leukemia (JMML). Also called: LEUKEMIA, JUVENILE MYELOMONOCYTIC, SOMATIC. Identifiers: Orphanet 86834, MedGen C0349639, MONDO:0011908, OMIM 607785, HP:0012209.
Neurofibromatosis-Noonan syndrome (NFNS). Also called: NEUROFIBROMATOSIS WITH NOONAN PHENOTYPE. Identifiers: Orphanet 638, MedGen C2931482, MONDO:0011035, OMIM 601321. Disease mechanism: loss of function.
Café-au-lait macules with pulmonary stenosis (WTSN). Also called: PULMONIC STENOSIS WITH CAFE-AU-LAIT SPOTS. Identifiers: MedGen C0553586, MONDO:0008672, OMIM 193520.

Submissions (4):

Labcorp Genetics (formerly Invitae), Labcorp
Classification: Uncertain significance for Neurofibromatosis, type 1. Last evaluated: 2025-03-31. Review status: criteria provided, single submitter. Criteria: Invitae Variant Classification Sherloc (09022015). Collection method: clinical testing. Allele origin: germline.
Comment: This sequence change replaces histidine, which is basic and polar, with arginine, which is basic and polar, at codon 1672 of the NF1 protein (p.His1672Arg). This variant is not present in population databases (gnomAD no frequency). This variant has not been reported in the literature in individuals affected with NF1-related conditions. ClinVar contains an entry for this variant (Variation ID: 1343914). Invitae Evidence Modeling of protein sequence and biophysical properties (such as structural, functional, and spatial information, amino acid conservation, physicochemical variation, residue mobility, and thermodynamic stability) indicates that this missense variant is expected to disrupt NF1 protein function with a positive predictive value of 95%. In summary, the available evidence is currently insufficient to determine the role of this variant in disease. Therefore, it has been classified as a Variant of Uncertain Significance.

Ambry Genetics
Classification: Uncertain significance for Cardiovascular phenotype; Hereditary cancer-predisposing syndrome. Last evaluated: 2024-06-28. Review status: criteria provided, single submitter. Criteria: Ambry Variant Classification Scheme 2023. Collection method: clinical testing. Allele origin: germline.
Comment: The p.H1672R variant (also known as c.5015A>G), located in coding exon 36 of the NF1 gene, results from an A to G substitution at nucleotide position 5015. The histidine at codon 1672 is replaced by arginine, an amino acid with highly similar properties. This amino acid position is highly conserved in available vertebrate species. In addition, this alteration is predicted to be deleterious by in silico analysis. Based on the available evidence, the clinical significance of this variant remains unclear.

GeneDx
Classification: Uncertain significance. Last evaluated: 2023-02-17. Review status: criteria provided, single submitter. Criteria: GeneDx Variant Classification Process June 2021. Collection method: clinical testing. Allele origin: germline. Affected: yes.
Comment: Identified as a de novo variant in a patient with congenital heart disease in published literature (Homsy et al., 2015; Kosmicki et al., 2017); In silico analysis supports that this missense variant has a deleterious effect on protein structure/function; Not observed at significant frequency in large population cohorts (gnomAD); This variant is associated with the following publications: (PMID: 30287823, 28191890, 26785492, 32368696)

Fulgent Genetics
Classification: Uncertain significance for Neurofibromatosis, type 1; Neurofibromatosis, familial spinal; Café-au-lait macules with pulmonary stenosis; Neurofibromatosis-Noonan syndrome; Juvenile myelomonocytic leukemia. Last evaluated: 2022-02-11. Review status: criteria provided, single submitter. Criteria: ACMG Guidelines, 2015. Collection method: clinical testing. Allele origin: unknown.